The following is an entry in ClinVar:

NM_172245.4(CSF2RA):c.865del (p.Arg289fs)

Gene: CSF2RA (colony stimulating factor 2 receptor subunit alpha; plus strand). Cytogenetic location: Xp22.33.
Variant type: Deletion.
Coding change: c.865del on transcript NM_172245.4 (MANE Select); coding-DNA position 865, one base deleted (A; older notation c.865delA).
Protein change: p.Arg289fs; shifts the reading frame from arginine 289.
Molecular consequence: frameshift variant. On other transcripts: intron variant (2).
Genome position (GRCh38, 1-based): chrX:1,300,545, A deleted. VCF-style (leftmost placement, unchanged base first): chrX-1300544-CA-C. GRCh37 (hg19) VCF-style: chrX-1419437-CA-C.
Other names: c.865del, p.Arg289fs (NM_001161529.2, NM_001161530.2, NM_001161531.2 and 17 more transcripts); c.466del, p.Arg156fs (NM_001161532.2); c.865delA, p.Arg289Glufs (NM_001379157.1); c.835del, p.Arg279fs (NM_001379160.1); c.647-4901del (NM_172249.4); c.854+1480del (NM_001379166.1); short protein forms R156fs, R279fs, R289fs.
Identifiers: ClinVar variation 2817095 (VCV002817095.3), dbSNP rs2522752773, ClinGen allele CA2739268070.

ClinVar aggregate classification (germline): Pathogenic (1 of 4 stars; one submission).

Conditions:
Surfactant metabolism dysfunction, pulmonary, 4 (SMDP4). Also called: CSF2RA DEFICIENCY; PAP DUE TO CSF2RA DEFICIENCY; PULMONARY ALVEOLAR PROTEINOSIS, CONGENITAL, 4. Identifiers: Orphanet 264675, MedGen C2677877, MONDO:0010424, OMIM 300770.

Submission:

Labcorp Genetics (formerly Invitae), Labcorp
Classification: Pathogenic for Surfactant metabolism dysfunction, pulmonary, 4. Last evaluated: 2022-11-28. Review status: criteria provided, single submitter. Criteria: Invitae Variant Classification Sherloc (09022015). Collection method: clinical testing. Allele origin: germline.
Comment: For these reasons, this variant has been classified as Pathogenic. This sequence change creates a premature translational stop signal (p.Arg289Glufs*6) in the CSF2RA gene. It is expected to result in an absent or disrupted protein product. Loss-of-function variants in CSF2RA are known to be pathogenic (PMID: 20622029, 25425184). This variant is not present in population databases (gnomAD no frequency). This variant has not been reported in the literature in individuals affected with CSF2RA-related conditions.

Literature cited by the submitters: PubMed 20622029; PubMed 25425184.